The following is an entry in ClinVar:

ClinVar aggregate classification (germline): Pathogenic/Likely pathogenic. Review status: criteria provided, multiple submitters, no conflicts (2 of 4 stars). 4 submissions from 4 submitters: Pathogenic (2); Likely pathogenic (2). Last evaluated 2026-07-01.

Submissions (4):

CeGaT Center for Human Genetics Tuebingen
Classification: Likely pathogenic. Last evaluated: 2026-07-01. Review status: criteria provided, single submitter. Criteria: CeGaT Center For Human Genetics Tuebingen Variant Classification Criteria Version 2. Collection method: clinical testing. Allele origin: germline. Affected: yes. Observed: 1 variant allele.
Comment: SCNN1B: PVS1:Strong, PM2, PS4:Moderate

Labcorp Genetics (formerly Invitae), Labcorp
Classification: Pathogenic. Last evaluated: 2024-09-16. Review status: criteria provided, single submitter. Criteria: Invitae Variant Classification Sherloc (09022015). Collection method: clinical testing. Allele origin: germline.
Comment: This sequence change creates a premature translational stop signal (p.Arg597Profs*11) in the SCNN1B gene. While this is not anticipated to result in nonsense mediated decay, it is expected to disrupt the last 44 amino acid(s) of the SCNN1B protein. This variant is not present in population databases (gnomAD no frequency). This premature translational stop signal has been observed in individual(s) with Liddle syndrome (PMID: 9643296, 9678538, 12473861, 24474657; internal data). In at least one individual the variant was observed to be de novo. It has also been observed to segregate with disease in related individuals. This variant is also known as p.Arg597ProfsX607. ClinVar contains an entry for this variant (Variation ID: 994599). For these reasons, this variant has been classified as Pathogenic.

GeneDx
Classification: Likely pathogenic. Last evaluated: 2023-04-11. Review status: criteria provided, single submitter. Criteria: GeneDx Variant Classification Process June 2021. Collection method: clinical testing. Allele origin: germline. Affected: yes.
Comment: Frameshift variant predicted to result in protein truncation, as the last 44 amino acids are replaced with 10 different amino acids, and other loss-of-function variants have been reported downstream in HGMD; Not observed at significant frequency in large population cohorts (gnomAD); This variant is associated with the following publications: (PMID: 27397505, 9643296, 24474657, 9678538)

Athena Diagnostics
Classification: Pathogenic. Last evaluated: 2018-01-25. Review status: criteria provided, single submitter. Criteria: Athena Diagnostics Criteria. Collection method: clinical testing. Allele origin: unknown.
Comment: The variant results in a shift of the reading frame, and is therefore predicted to significantly disrupt the protein structure. Found in at least one patient with expected phenotype for this gene, and not found in general population data.

Literature cited by the submitters: PubMed 9643296 (cited by Labcorp Genetics (formerly Invitae), Labcorp and Athena Diagnostics); PubMed 9678538 (cited by Labcorp Genetics (formerly Invitae), Labcorp); PubMed 12473861 (cited by Labcorp Genetics (formerly Invitae), Labcorp); PubMed 24474657 (cited by Labcorp Genetics (formerly Invitae), Labcorp).

NM_000336.3(SCNN1B):c.1789dup (p.Arg597fs)

Gene: SCNN1B (sodium channel epithelial 1 subunit beta; plus strand). Cytogenetic location: 16p12.2.
Variant type: Duplication.
Coding change: c.1789dup on transcript NM_000336.3 (MANE Select); coding-DNA position 1789, one base duplicated (C; older notation c.1789dupC).
Protein change: p.Arg597fs; shifts the reading frame from arginine 597.
Molecular consequence: frameshift variant.
Genome position (GRCh38, 1-based): chr16:23,380,667, C duplicated; the last of 6 consecutive C bases (chr16:23,380,662-23,380,667); duplicating any one gives the same sequence. VCF-style (leftmost placement, unchanged base first): chr16-23380661-G-GC. GRCh37 (hg19) VCF-style: chr16-23391982-G-GC.
Other names: short protein forms R597fs.
Identifiers: ClinVar variation 994599 (VCV000994599.6), dbSNP rs758629218, ClinGen allele CA7960638.
Genomic context (GRCh38, chr16:23,380,661, plus strand): 5'-CCGCCCACCGTGGCCGAGCTGGTGGAGGCCCACACCAACTTTGGCTTCCAGCCTGACACG[G>GC]CCCCCCGCAGCCCCAACACTGGGCCCTACCCCAGTGAGCAGGCCCTGCCCATCCCAGGCA-3'